The following is an entry in ClinVar:

ClinVar aggregate classification (germline): Uncertain significance. Review status: criteria provided, multiple submitters, no conflicts (2 of 4 stars). 2 submissions from 2 submitters: Uncertain significance (2). Last evaluated 2025-10-14.

gnomAD v4.1: 6 of 1,612,116 alleles (0.00037%); highest among the groups gnomAD compares: Admixed American, 0.0033%; no homozygotes.

Submissions (3):

Labcorp Genetics (formerly Invitae), Labcorp
Classification: Uncertain significance. Last evaluated: 2025-10-14. Review status: criteria provided, single submitter. Criteria: Invitae Variant Classification Sherloc (09022015). Collection method: clinical testing. Allele origin: germline.
Comment: This sequence change falls in intron 16 of the SRP72 gene. It does not directly change the encoded amino acid sequence of the SRP72 protein. It affects a nucleotide within the consensus splice site. This variant is present in population databases (rs745855043, gnomAD 0.0009%). This variant has not been reported in the literature in individuals affected with SRP72-related conditions. ClinVar contains an entry for this variant (Variation ID: 3715162). Variants that disrupt the consensus splice site are a relatively common cause of aberrant splicing (PMID: 17576681, 9536098). Algorithms developed to predict the effect of sequence changes on RNA splicing suggest that this variant may disrupt the consensus splice site. In summary, the available evidence is currently insufficient to determine the role of this variant in disease. Therefore, it has been classified as a Variant of Uncertain Significance.

Genetic Services Laboratory, University of Chicago
Classification: Uncertain significance. Last evaluated: 2023-09-08. Review status: criteria provided, single submitter. Criteria: ACMG Guidelines, 2015. Collection method: clinical testing. Allele origin: germline. Affected: no.
Comment: DNA sequence analysis of the SRP72 gene demonstrated a sequence change in intron 16, c.1640+4A>G. This change does not appear to have been previously described in individuals with SRP72-related disorders. This sequence change has been described in the gnomAD database in 3 individuals, which corresponds to a population frequency of 0.0008% (dbSNP rs745855043). In-silico splice prediction programs provide inconclusive results for this sequence change. It is possible that this sequence change represents a benign sequence change in the SBDS gene that has not been identified to date. The functional significance of this sequence change is not known at present and its contribution to this individual's disease phenotype cannot definitively be determined.

Dr. Peter K. Rogan Lab, Western University
No classification provided (evidence only). Condition: Familial cancer of breast. Review status: no classification provided. Collection method: in vitro. Allele origin: not applicable. Functional consequence: retained intron. Not counted in ClinVar's aggregate classification.

Literature cited by the submitters: PubMed 17576681 (cited by Labcorp Genetics (formerly Invitae), Labcorp); PubMed 9536098 (cited by Labcorp Genetics (formerly Invitae), Labcorp).

NM_006947.4(SRP72):c.1640+4A>G

Gene: SRP72 (signal recognition particle 72; plus strand). Cytogenetic location: 4q12.
Variant type: single nucleotide variant.
Coding change: c.1640+4A>G on transcript NM_006947.4 (MANE Select); 4 bases into the intron after coding-DNA position 1640, A replaced by G.
Molecular consequence: intron variant.
Genome position (GRCh38, 1-based): chr4:56,491,572, A>G. VCF-style: chr4-56491572-A-G. GRCh37 (hg19) VCF-style: chr4-57357738-A-G.
Other names: c.1457+4A>G (NM_001267722.2); c.1640+4A>G (NM_006947.3).
Identifiers: ClinVar variation 3715162 (VCV003715162.4).
Genomic context (GRCh38, chr4:56,491,572, plus strand): 5'-ATACATTCGGAAGAAGGGTGGAAAAGTTACTGGAGATAGTCAACCAAAGGAACAAGGGTA[A>G]TATTTTTCATTGTAACGTTCTCTAATGCTGATTTTAAATTAGACAAGGAATAAAAAATAC-3'